The following is an entry in ClinVar:

ClinVar aggregate classification (germline): Uncertain significance (1 of 4 stars; one submission).

Conditions:
Generalized epilepsy-paroxysmal dyskinesia syndrome (PNKD3). Also called: Generalized epilepsy and paroxysmal dyskinesia; Paroxysmal nonkinesigenic dyskinesia, 3, with or without generalized epilepsy. Identifiers: Orphanet 79137, MedGen C5574945, MONDO:0012276, OMIM 609446.

Submission:

Labcorp Genetics (formerly Invitae), Labcorp
Classification: Uncertain significance for Generalized epilepsy-paroxysmal dyskinesia syndrome. Last evaluated: 2024-10-29. Review status: criteria provided, single submitter. Criteria: Invitae Variant Classification Sherloc (09022015). Collection method: clinical testing. Allele origin: germline.
Comment: This sequence change falls in intron 24 of the KCNMA1 gene. It does not directly change the encoded amino acid sequence of the KCNMA1 protein. This variant is not present in population databases (gnomAD no frequency). This variant has not been reported in the literature in individuals affected with KCNMA1-related conditions. This variant is also known as p.Ile1002Serfs*32. Experimental studies and prediction algorithms are not available or were not evaluated, and the functional significance of this variant is currently unknown. In summary, the available evidence is currently insufficient to determine the role of this variant in disease. Therefore, it has been classified as a Variant of Uncertain Significance.

NM_001161352.2(KCNMA1):c.3148-65_3177dup

Genes: KCNMA1-AS1 (KCNMA1 antisense RNA 1; plus strand), KCNMA1 (potassium calcium-activated channel subfamily M alpha 1; minus strand). Cytogenetic location: 10q22.3.
Variant type: Duplication.
Coding change: c.3148-65_3177dup on transcript NM_001161352.2 (MANE Select); 65 bases into the intron before coding-DNA position 3148 through coding-DNA position 3177, 95 bases duplicated.
Molecular consequence: splice acceptor variant.
Genome position (GRCh38, 1-based): chr10:76,891,690-76,891,784, 95 bases duplicated. GRCh37 (hg19): chr10:78,651,450-78,651,544.
Other names: c.2824-65_2853dup (NM_001271518.2); c.2974-65_3003dup (NM_001322832.2, NM_001410940.1, NM_002247.4); c.2983-65_3012dup (NM_001322829.2, NM_001322836.2); c.2986-65_3015dup (NM_001014797.3); c.3067-65_3096dup (NM_001322835.2, NM_001322837.2); c.3076-65_3105dup (NM_001322830.2); c.2521-65_2550dup (NM_001322838.2); c.3097-65_3126dup (NM_001161353.2); and 1 more.
Identifiers: ClinVar variation 3647678 (VCV003647678.2).